The following is an entry in ClinVar:

NM_000523.4(HOXD13):c.449C>T (p.Ala150Val)

Gene: HOXD13 (homeobox D13; plus strand). Cytogenetic location: 2q31.1.
Variant type: single nucleotide variant.
Coding change: c.449C>T on transcript NM_000523.4 (MANE Select); coding-DNA position 449, C replaced by T.
Protein change: p.Ala150Val; replaces alanine 150 with valine.
Molecular consequence: missense variant.
Genome position (GRCh38, 1-based): chr2:176,093,339, C>T. VCF-style: chr2-176093339-C-T. GRCh37 (hg19) VCF-style: chr2-176958067-C-T.
Other names: short protein forms A150V.
Identifiers: ClinVar variation 2914659 (VCV002914659.3), dbSNP rs1018548542, ClinGen allele CA60846297.

ClinVar aggregate classification (germline): Uncertain significance (1 of 4 stars; one submission).

Allele frequency attached by ClinVar (database versions not stated): gnomAD 0.00002.
gnomAD v4.1: 13 of 1,613,474 alleles (0.00081%); highest among the groups gnomAD compares: Middle Eastern, 0.049%; no homozygotes.

Submission:

Labcorp Genetics (formerly Invitae), Labcorp
Classification: Uncertain significance. Last evaluated: 2025-04-03. Review status: criteria provided, single submitter. Criteria: Invitae Variant Classification Sherloc (09022015). Collection method: clinical testing. Allele origin: germline.
Comment: This sequence change replaces alanine, which is neutral and non-polar, with valine, which is neutral and non-polar, at codon 150 of the HOXD13 protein (p.Ala150Val). This variant is not present in population databases (gnomAD no frequency). This variant has not been reported in the literature in individuals affected with HOXD13-related conditions. ClinVar contains an entry for this variant (Variation ID: 2914659). Invitae Evidence Modeling of protein sequence and biophysical properties (such as structural, functional, and spatial information, amino acid conservation, physicochemical variation, residue mobility, and thermodynamic stability) indicates that this missense variant is not expected to disrupt HOXD13 protein function with a negative predictive value of 80%. In summary, the available evidence is currently insufficient to determine the role of this variant in disease. Therefore, it has been classified as a Variant of Uncertain Significance.